The following is an entry in ClinVar:

ClinVar aggregate classification (germline): Uncertain significance (1 of 4 stars; one submission).

Allele frequency attached by ClinVar (database versions not stated): TOPMed 0.00001; gnomAD exomes 0.00002.
gnomAD v4.1: 27 of 1,613,952 alleles (0.0017%); highest among the groups gnomAD compares: Non-Finnish European, 0.0021%; no homozygotes.

Submission:

Labcorp Genetics (formerly Invitae), Labcorp
Classification: Uncertain significance. Last evaluated: 2025-12-24. Review status: criteria provided, single submitter. Criteria: Invitae Variant Classification Sherloc (09022015). Collection method: clinical testing. Allele origin: germline.
Comment: This sequence change replaces arginine, which is basic and polar, with cysteine, which is neutral and slightly polar, at codon 3218 of the VCAN protein (p.Arg3218Cys). This variant is not present in population databases (gnomAD no frequency). This variant has not been reported in the literature in individuals affected with VCAN-related conditions. ClinVar contains an entry for this variant (Variation ID: 1411029). An algorithm developed to predict the effect of missense changes on protein structure and function (PolyPhen-2) suggests that this variant is likely to be disruptive. In summary, the available evidence is currently insufficient to determine the role of this variant in disease. Therefore, it has been classified as a Variant of Uncertain Significance.

NM_004385.5(VCAN):c.9652C>T (p.Arg3218Cys)

Genes: VCAN (versican; plus strand), VCAN-AS1 (VCAN antisense RNA 1; minus strand). Cytogenetic location: 5q14.3.
Variant type: single nucleotide variant.
Coding change: c.9652C>T on transcript NM_004385.5 (MANE Select); coding-DNA position 9652, C replaced by T.
Protein change: p.Arg3218Cys; replaces arginine 3218 with cysteine.
Molecular consequence: missense variant.
Genome position (GRCh38, 1-based): chr5:83,553,522, C>T. VCF-style: chr5-83553522-C-T. GRCh37 (hg19) VCF-style: chr5-82849341-C-T.
Other names: c.1429C>T, p.Arg477Cys (NM_001126336.3); c.6691C>T, p.Arg2231Cys (NM_001164097.2); c.4390C>T, p.Arg1464Cys (NM_001164098.2); short protein forms R2231C, R3218C, R477C, R1464C.
Identifiers: ClinVar variation 1411029 (VCV001411029.6), dbSNP rs866517061, ClinGen allele CA121781636.
Genomic context (GRCh38, chr5:83,553,522, plus strand): 5'-CGTCTGCAGGGTGCCCATCTCACAAGCATCCTGTCTCACGAAGAACAAATGTTTGTTAAT[C>T]GTATGTACCAAATAGATACGAGTTTCCAGGAACTTCACTTCTCATCACTCTCTTAGTTTT-3'
Protein context (NP_004376.2, residues 3208-3228): LSHEEQMFVN[Arg3218Cys]VGHDYQWIGL